The following is an entry in ClinVar:

NM_032043.3(BRIP1):c.42G>T (p.Lys14Asn)

Gene: BRIP1 (BRCA1 interacting DNA helicase 1; minus strand). Cytogenetic location: 17q23.2.
Variant type: single nucleotide variant.
Coding change: c.42G>T on transcript NM_032043.3 (MANE Select); coding-DNA position 42, G replaced by T.
Protein change: p.Lys14Asn; replaces lysine 14 with asparagine.
Molecular consequence: missense variant.
Genome position (GRCh38, 1-based): chr17:61,861,498, C>A on the plus strand (G>T on the coding strand, the complement: BRIP1 is on the minus strand). VCF-style: chr17-61861498-C-A. GRCh37 (hg19) VCF-style: chr17-59938859-C-A.
Other names: c.42G>T (NM_032043.2); short protein forms K14N.
Identifiers: ClinVar variation 1006522 (VCV001006522.13), dbSNP rs2078972704, ClinGen allele CA400486011.

ClinVar aggregate classification (germline): Uncertain significance. Review status: criteria provided, multiple submitters, no conflicts (2 of 4 stars). 3 submissions from 3 submitters: Uncertain significance (3). Last evaluated 2024-03-06.

Conditions:
Hereditary cancer-predisposing syndrome. Also called: Hereditary neoplastic syndrome; Neoplastic Syndromes, Hereditary; Tumor predisposition; Hereditary Cancer Syndrome. Identifiers: Orphanet 140162, MedGen C0027672, MeSH D009386, MONDO:0015356.
Familial cancer of breast. Also called: hereditary breast carcinoma; BREAST CANCER, FAMILIAL; Hereditary breast cancer. Identifiers: Orphanet 227535, MedGen C0346153, MONDO:0016419, OMIM 114480. Disease mechanism: loss of function.
Fanconi anemia complementation group J. Also called: BRIP1-Related Fanconi Anemia. Identifiers: Orphanet 84, MedGen C1836860, MONDO:0012187, OMIM 609054.

Submissions (3):

Color Diagnostics, LLC DBA Color Health
Classification: Uncertain significance for Hereditary cancer-predisposing syndrome. Last evaluated: 2024-03-06. Review status: criteria provided, single submitter. Criteria: ACMG Guidelines, 2015. Collection method: clinical testing. Allele origin: germline.
Comment: This missense variant replaces lysine with asparagine at codon 14 of the BRIP1 protein. Computational prediction suggests that this variant may not impact protein structure and function (internally defined REVEL score threshold <= 0.5, PMID: 27666373). To our knowledge, functional studies have not been reported for this variant. This variant has not been reported in individuals affected with hereditary cancer in the literature. This variant has not been identified in the general population by the Genome Aggregation Database (gnomAD). The available evidence is insufficient to determine the role of this variant in disease conclusively. Therefore, this variant is classified as a Variant of Uncertain Significance.

Ambry Genetics
Classification: Uncertain significance for Hereditary cancer-predisposing syndrome. Last evaluated: 2023-04-07. Review status: criteria provided, single submitter. Criteria: Ambry Variant Classification Scheme 2023. Collection method: clinical testing. Allele origin: germline.
Comment: The p.K14N variant (also known as c.42G>T), located in coding exon 1 of the BRIP1 gene, results from a G to T substitution at nucleotide position 42. The lysine at codon 14 is replaced by asparagine, an amino acid with similar properties. This amino acid position is conserved. In addition, this alteration is predicted to be tolerated by in silico analysis. Since supporting evidence is limited at this time, the clinical significance of this alteration remains unclear.

Labcorp Genetics (formerly Invitae), Labcorp
Classification: Uncertain significance for Familial cancer of breast; Fanconi anemia complementation group J. Last evaluated: 2022-12-19. Review status: criteria provided, single submitter. Criteria: Invitae Variant Classification Sherloc (09022015). Collection method: clinical testing. Allele origin: germline.
Comment: This variant has not been reported in the literature in individuals affected with BRIP1-related conditions. In summary, the available evidence is currently insufficient to determine the role of this variant in disease. Therefore, it has been classified as a Variant of Uncertain Significance. Algorithms developed to predict the effect of sequence changes on RNA splicing suggest that this variant may disrupt the consensus splice site. Advanced modeling of protein sequence and biophysical properties (such as structural, functional, and spatial information, amino acid conservation, physicochemical variation, residue mobility, and thermodynamic stability) performed at Invitae indicates that this missense variant is not expected to disrupt BRIP1 protein function. ClinVar contains an entry for this variant (Variation ID: 1006522). This variant is not present in population databases (gnomAD no frequency). This sequence change replaces lysine, which is basic and polar, with asparagine, which is neutral and polar, at codon 14 of the BRIP1 protein (p.Lys14Asn).